The following is an entry in ClinVar:

NM_025233.7(COASY):c.293C>T (p.Pro98Leu)

Gene: COASY (Coenzyme A synthase; plus strand). Cytogenetic location: 17q21.2.
Variant type: single nucleotide variant.
Coding change: c.293C>T on transcript NM_025233.7 (MANE Select); coding-DNA position 293, C replaced by T.
Protein change: p.Pro98Leu; replaces proline 98 with leucine.
Molecular consequence: missense variant.
Genome position (GRCh38, 1-based): chr17:42,562,915, C>T. VCF-style: chr17-42562915-C-T. GRCh37 (hg19) VCF-style: chr17-40714933-C-T.
Other names: c.293C>T, p.Pro98Leu (NM_001042529.3); c.380C>T, p.Pro127Leu (NM_001042532.4); short protein forms P127L, P98L.
Identifiers: ClinVar variation 1966317 (VCV001966317.5), dbSNP rs1313402111, ClinGen allele CA399617369.

ClinVar aggregate classification (germline): Uncertain significance (1 of 4 stars; one submission).

Conditions:
Neurodegeneration with brain iron accumulation 6 (NBIA6). Also called: COASY protein-associated neurodegeneration. Identifiers: Orphanet 397725, MedGen C4517377, MONDO:0014290, OMIM 615643.

Allele frequency attached by ClinVar (database versions not stated): gnomAD 0.00001; TOPMed 0.00001.

Submission:

Labcorp Genetics (formerly Invitae), Labcorp
Classification: Uncertain significance for Neurodegeneration with brain iron accumulation 6. Last evaluated: 2022-08-30. Review status: criteria provided, single submitter. Criteria: Invitae Variant Classification Sherloc (09022015). Collection method: clinical testing. Allele origin: germline.
Comment: In summary, the available evidence is currently insufficient to determine the role of this variant in disease. Therefore, it has been classified as a Variant of Uncertain Significance. Algorithms developed to predict the effect of missense changes on protein structure and function (SIFT, PolyPhen-2, Align-GVGD) all suggest that this variant is likely to be tolerated. This variant has not been reported in the literature in individuals affected with COASY-related conditions. This variant is not present in population databases (gnomAD no frequency). This sequence change replaces proline, which is neutral and non-polar, with leucine, which is neutral and non-polar, at codon 98 of the COASY protein (p.Pro98Leu).